The following is an entry in ClinVar:

NM_001283009.2(RTEL1):c.1909A>T (p.Asn637Tyr)

Genes: RTEL1 (regulator of telomere elongation helicase 1; plus strand), RTEL1-TNFRSF6B (RTEL1-TNFRSF6B readthrough (NMD candidate); plus strand). Cytogenetic location: 20q13.33.
Variant type: single nucleotide variant.
Coding change: c.1909A>T on transcript NM_001283009.2 (MANE Select); coding-DNA position 1909, A replaced by T.
Protein change: p.Asn637Tyr; replaces asparagine 637 with tyrosine.
Molecular consequence: missense variant. On other transcripts: non-coding transcript variant (1).
Genome position (GRCh38, 1-based): chr20:63,689,532, A>T. VCF-style: chr20-63689532-A-T. GRCh37 (hg19) VCF-style: chr20-62320885-A-T.
Other names: c.1240A>T, p.Asn414Tyr (NM_001283010.1); c.1909A>T, p.Asn637Tyr (NM_016434.4); c.1981A>T, p.Asn661Tyr (NM_032957.5); short protein forms N637Y, N661Y, N414Y.
Identifiers: ClinVar variation 2179594 (VCV002179594.5), dbSNP rs370695835, ClinGen allele CA9965080.
Genomic context (GRCh38, chr20:63,689,532, plus strand): 5'-CCCCAGGCAGCTCCCTGGTGTGTCCCCTAGGCCAGCGAGGGGCTGGACTTCTCAGACACG[A>T]ATGGCCGTGGTGTGATTGTCACGGGCCTCCCGTACCCCCCACGCATGGACCCCCGGGTTG-3'
Protein context (NP_001269938.1, residues 627-647): ASEGLDFSDT[Asn637Tyr]GRGVIVTGLP

ClinVar aggregate classification (germline): Uncertain significance. Review status: criteria provided, multiple submitters, no conflicts (2 of 4 stars). 2 submissions from 2 submitters: Uncertain significance (2). Last evaluated 2025-06-04.

Conditions:
Inborn genetic diseases. Identifiers: MedGen C0950123, MeSH D030342.
Pulmonary fibrosis and/or bone marrow failure, Telomere-related, 3. Also called: PULMONARY FIBROSIS AND/OR BONE MARROW FAILURE SYNDROME, TELOMERE-RELATED, 3. Identifiers: Orphanet 2032, MedGen C4225346, MONDO:0014613, OMIM 616373.
Dyskeratosis congenita, autosomal recessive 5 (DKCB5). Identifiers: MedGen C3554656, MONDO:0014076, OMIM 615190.

Allele frequency attached by ClinVar (database versions not stated): ExAC 0.00001; gnomAD 0.00001; gnomAD exomes below 0.00001; ESP Exome Variant Server 0.00008.
gnomAD v4.1: 7 of 1,609,710 alleles (0.00043%); highest among the groups gnomAD compares: South Asian, 0.0044%; no homozygotes.

Submissions (2):

Labcorp Genetics (formerly Invitae), Labcorp
Classification: Uncertain significance for Dyskeratosis congenita, autosomal recessive 5; Pulmonary fibrosis and/or bone marrow failure, Telomere-related, 3. Last evaluated: 2025-06-04. Review status: criteria provided, single submitter. Criteria: Invitae Variant Classification Sherloc (09022015). Collection method: clinical testing. Allele origin: germline.
Comment: This sequence change replaces asparagine, which is neutral and polar, with tyrosine, which is neutral and polar, at codon 637 of the RTEL1 protein (p.Asn637Tyr). This variant is present in population databases (rs370695835, gnomAD 0.003%). This variant has not been reported in the literature in individuals affected with RTEL1-related conditions. ClinVar contains an entry for this variant (Variation ID: 2179594). An algorithm developed to predict the effect of missense changes on protein structure and function (PolyPhen-2) suggests that this variant is likely to be disruptive. In summary, the available evidence is currently insufficient to determine the role of this variant in disease. Therefore, it has been classified as a Variant of Uncertain Significance.

Ambry Genetics
Classification: Uncertain significance for Inborn genetic diseases. Last evaluated: 2024-12-16. Review status: criteria provided, single submitter. Criteria: Ambry Variant Classification Scheme 2023. Collection method: clinical testing. Allele origin: germline.
Comment: The p.N637Y variant (also known as c.1909A>T), located in coding exon 22 of the RTEL1 gene, results from an A to T substitution at nucleotide position 1909. The asparagine at codon 637 is replaced by tyrosine, an amino acid with dissimilar properties. This amino acid position is conserved. In addition, the in silico prediction for this alteration is inconclusive. Based on the available evidence, the clinical significance of this variant remains unclear.